The following is an entry in ClinVar:

ClinVar aggregate classification (germline): Pathogenic (1 of 4 stars; one submission).

Conditions:
Camptomelic dysplasia (CMPD). Also called: CMPD1/SRA1; Campomelic Dysplasia. Identifiers: Orphanet 140, MedGen C1861922, MONDO:0007251, OMIM 114290.

Submission:

Labcorp Genetics (formerly Invitae), Labcorp
Classification: Pathogenic for Camptomelic dysplasia. Last evaluated: 2025-09-02. Review status: criteria provided, single submitter. Criteria: Invitae Variant Classification Sherloc (09022015). Collection method: clinical testing. Allele origin: germline.
Comment: This sequence change affects a donor splice site in intron 2 of the SOX9 gene. While this variant is not anticipated to result in nonsense mediated decay, it likely alters RNA splicing and results in a disrupted protein product. This variant is not present in population databases (gnomAD no frequency). Disruption of this splice site has been observed in individual(s) with campomelic dysplasia (internal data). ClinVar contains an entry for this variant (Variation ID: 2106821). Variants that disrupt the consensus splice site are a relatively common cause of aberrant splicing (PMID: 17576681, 9536098). Algorithms developed to predict the effect of sequence changes on RNA splicing suggest that this variant may disrupt the consensus splice site. This variant disrupts a region of the SOX9 protein in which other variant(s) (p.Gln412*) have been determined to be pathogenic (PMID: 31389106; internal data). This suggests that this is a clinically significant region of the protein, and that variants that disrupt it are likely to be disease-causing. For these reasons, this variant has been classified as Pathogenic.

Literature cited by the submitters: PubMed 17576681; PubMed 9536098; PubMed 31389106.

NM_000346.4(SOX9):c.685+2T>C

Gene: SOX9 (SRY-box transcription factor 9; plus strand). Cytogenetic location: 17q24.3.
Variant type: single nucleotide variant.
Coding change: c.685+2T>C on transcript NM_000346.4 (MANE Select); the canonical splice donor site of the intron after coding-DNA position 685, T replaced by C.
Molecular consequence: splice donor variant.
Genome position (GRCh38, 1-based): chr17:72,122,974, T>C. VCF-style: chr17-72122974-T-C. GRCh37 (hg19) VCF-style: chr17-70119115-T-C.
Identifiers: ClinVar variation 2106821 (VCV002106821.4), dbSNP rs2143247529, ClinGen allele CA400866826.